The following is an entry in ClinVar:

NM_002519.3(NPAT):c.3458C>T (p.Thr1153Ile)

Gene: NPAT (nuclear protein, coactivator of histone transcription; minus strand). Cytogenetic location: 11q22.3.
Variant type: single nucleotide variant.
Coding change: c.3458C>T on transcript NM_002519.3 (MANE Select); coding-DNA position 3458, C replaced by T.
Protein change: p.Thr1153Ile; replaces threonine 1153 with isoleucine.
Molecular consequence: missense variant.
Genome position (GRCh38, 1-based): chr11:108,161,628, G>A on the plus strand (C>T on the coding strand, the complement: NPAT is on the minus strand). VCF-style: chr11-108161628-G-A. GRCh37 (hg19) VCF-style: chr11-108032355-G-A.
Other names: c.3479C>T, p.Thr1160Ile (NM_001321307.1); short protein forms T1153I, T1160I.
Identifiers: ClinVar variation 1731601 (VCV001731601.2), dbSNP rs2496695906, ClinGen allele CA382510768.

ClinVar aggregate classification (germline): Uncertain significance (1 of 4 stars; one submission).

gnomAD v4.1: 1 of 1,614,092 alleles (0.000062%); highest among the groups gnomAD compares: Non-Finnish European, 0.000085%; no homozygotes.

Submission:

Ambry Genetics
Classification: Uncertain significance. Last evaluated: 2024-02-27. Review status: criteria provided, single submitter. Criteria: Ambry Variant Classification Scheme 2023. Collection method: clinical testing. Allele origin: germline.
Comment: The p.T1153I variant (also known as c.3458C>T), located in coding exon 17 of the NPAT gene, results from a C to T substitution at nucleotide position 3458. The threonine at codon 1153 is replaced by isoleucine, an amino acid with similar properties. This amino acid position is conserved. In addition, this alteration is predicted to be tolerated by in silico analysis. Since supporting evidence is limited at this time, the clinical significance of this alteration remains unclear.